The following is an entry in ClinVar:

ClinVar aggregate classification (germline): Pathogenic. Review status: criteria provided, single submitter (1 of 4 stars). 2 submissions from 2 submitters: Pathogenic (1). 1 of the submissions does not count toward it. Last evaluated 2020-01-15.

Conditions:
Hereditary cancer-predisposing syndrome. Also called: Hereditary Cancer Syndrome; Hereditary neoplastic syndrome; Tumor predisposition; Neoplastic Syndromes, Hereditary. Identifiers: Orphanet 140162, MedGen C0027672, MeSH D009386, MONDO:0015356.
Familial adenomatous polyposis 1 (FAP1). Also called: FAMILIAL ADENOMATOUS POLYPOSIS 1, ATTENUATED; POLYPOSIS, ADENOMATOUS INTESTINAL. Identifiers: MedGen C2713442, MONDO:0021056, OMIM 175100. Disease mechanism: loss of function.

Submissions (2):

Color Diagnostics, LLC DBA Color Health
Classification: Pathogenic for Hereditary cancer-predisposing syndrome. Last evaluated: 2020-01-15. Review status: criteria provided, single submitter. Criteria: ACMG Guidelines, 2015. Collection method: clinical testing. Allele origin: germline.
Comment: This variant deletes 2 nucleotides in exon 16 of the APC gene, creating a frameshift and premature translation stop signal. This variant is expected to result in an absent or non-functional protein product. This variant has not been identified in the general population by the Genome Aggregation Database (gnomAD). Loss of APC function is a known mechanism of disease. Based on the available evidence, this variant is classified as Pathogenic.

Yale Center for Mendelian Genomics, Yale University
Classification: Pathogenic for Familial adenomatous polyposis 1. Last evaluated: 2015-11-27. Review status: no assertion criteria provided. Collection method: literature only. Allele origin: somatic. Affected: yes. Observed: 1 heterozygote. Not counted in ClinVar's aggregate classification.

Literature cited by the submitters: PubMed 26613750 (cited by Yale Center for Mendelian Genomics, Yale University).

NM_000038.6(APC):c.2840_2841del (p.Cys947fs)

Gene: APC (APC regulator of Wnt signaling pathway; plus strand). Cytogenetic location: 5q22.2.
Variant type: Deletion.
Coding change: c.2840_2841del on transcript NM_000038.6 (MANE Select); coding-DNA positions 2840 to 2841, 2 bases deleted (GT; older notation c.2840_2841delGT).
Protein change: p.Cys947fs; shifts the reading frame from cysteine 947.
Molecular consequence: frameshift variant.
Genome position (GRCh38, 1-based): chr5:112,838,434-112,838,435, GT deleted; deleting any 2 consecutive bases within chr5:112,838,433-112,838,435 gives the same sequence; the c. name uses the placement nearest the transcript's 3' end. VCF-style (leftmost placement, unchanged base first): chr5-112838432-ATG-A. GRCh37 (hg19) VCF-style: chr5-112174129-ATG-A.
Other names: c.2840_2841del, p.Cys947fs (NM_001127510.3, NM_001354895.2); c.2786_2787del, p.Cys929fs (NM_001127511.3); c.2894_2895del, p.Cys965fs (NM_001354896.2); c.2870_2871del, p.Cys957fs (NM_001354897.2); c.2765_2766del, p.Cys922fs (NM_001354898.2); c.2756_2757del, p.Cys919fs (NM_001354899.2); c.2717_2718del, p.Cys906fs (NM_001354900.2); c.2663_2664del, p.Cys888fs (NM_001354901.2); and 5 more; short protein forms C664fs, C856fs, C846fs, C922fs, C947fs, C957fs, C787fs, C821fs.
Identifiers: ClinVar variation 548662 (VCV000548662.5), dbSNP rs1554084531, ClinGen allele CA658822399.